The following is an entry in ClinVar:

NM_004068.4(AP2M1):c.139G>A (p.Val47Ile)

Gene: AP2M1 (adaptor related protein complex 2 subunit mu 1; plus strand). Cytogenetic location: 3q27.1.
Variant type: single nucleotide variant.
Coding change: c.139G>A on transcript NM_004068.4 (MANE Select); coding-DNA position 139, G replaced by A.
Protein change: p.Val47Ile; replaces valine 47 with isoleucine.
Molecular consequence: missense variant.
Genome position (GRCh38, 1-based): chr3:184,178,921, G>A. VCF-style: chr3-184178921-G-A. GRCh37 (hg19) VCF-style: chr3-183896709-G-A.
Other names: c.139G>A, p.Val47Ile (NM_001025205.2); c.214G>A, p.Val72Ile (NM_001311198.2); short protein forms V47I, V72I.
Identifiers: ClinVar variation 3618293 (VCV003618293.2).

ClinVar aggregate classification (germline): Uncertain significance (1 of 4 stars; one submission).

gnomAD v4.1: 31 of 1,614,022 alleles (0.0019%); highest among the groups gnomAD compares: East Asian, 0.0045%; no homozygotes.

Submission:

Labcorp Genetics (formerly Invitae), Labcorp
Classification: Uncertain significance. Last evaluated: 2025-03-05. Review status: criteria provided, single submitter. Criteria: Invitae Variant Classification Sherloc (09022015). Collection method: clinical testing. Allele origin: germline.
Comment: This sequence change replaces valine, which is neutral and non-polar, with isoleucine, which is neutral and non-polar, at codon 47 of the AP2M1 protein (p.Val47Ile). This variant is present in population databases (rs777567779, gnomAD 0.005%). This variant has not been reported in the literature in individuals affected with AP2M1-related conditions. An algorithm developed to predict the effect of missense changes on protein structure and function (PolyPhen-2) suggests that this variant is likely to be tolerated. In summary, the available evidence is currently insufficient to determine the role of this variant in disease. Therefore, it has been classified as a Variant of Uncertain Significance.